The following is an entry in ClinVar:

NM_001854.4(COL11A1):c.1308+19A>G

Gene: COL11A1 (collagen type XI alpha 1 chain; minus strand). Cytogenetic location: 1p21.1.
Variant type: single nucleotide variant.
Coding change: c.1308+19A>G on transcript NM_001854.4 (MANE Select); 19 bases into the intron after coding-DNA position 1308, A replaced by G.
Molecular consequence: intron variant.
Genome position (GRCh38, 1-based): chr1:103,021,688, T>C on the plus strand (A>G on the coding strand, the complement: COL11A1 is on the minus strand). VCF-style: chr1-103021688-T-C. GRCh37 (hg19) VCF-style: chr1-103487244-T-C.
Other names: c.1191+19A>G (NM_001190709.2); c.1344+19A>G (NM_080629.3); c.960+19A>G (NM_080630.4).
Identifiers: ClinVar variation 93965 (VCV000093965.20), dbSNP rs34587338, ClinGen allele CA147517.

ClinVar aggregate classification (germline): Benign. Review status: criteria provided, multiple submitters, no conflicts (2 of 4 stars). 9 submissions from 9 submitters: Benign (7). 2 of the submissions do not count toward it. Last evaluated 2026-05-09.

Allele frequency attached by ClinVar (database versions not stated): gnomAD exomes 0.07063; ExAC 0.07122; 1000 Genomes Project 0.07927; TOPMed 0.07927; gnomAD 0.07951 and 0.08015; ESP Exome Variant Server 0.08019; 1000 Genomes Project 30x 0.08089.
gnomAD v4.1: 99,336 of 1,562,682 alleles (6.4%); highest among the groups gnomAD compares: African/African-American, 12%; 3,450 homozygotes.

Submissions (9):

Women's Health and Genetics/Laboratory Corporation of America, LabCorp
Classification: Benign. Last evaluated: 2026-05-09. Review status: criteria provided, single submitter. Criteria: LabCorp Variant Classification Summary - May 2015. Collection method: clinical testing. Allele origin: germline.

Labcorp Genetics (formerly Invitae), Labcorp
Classification: Benign. Last evaluated: 2026-02-04. Review status: criteria provided, single submitter. Criteria: Invitae Variant Classification Sherloc (09022015). Collection method: clinical testing. Allele origin: germline.

Blueprint Genetics
Classification: Benign. Last evaluated: 2024-11-26. Review status: criteria provided, single submitter. Criteria: ACMG Guidelines, 2015. Collection method: clinical testing. Allele origin: germline.

GeneDx
Classification: Benign. Last evaluated: 2016-10-04. Review status: criteria provided, single submitter. Criteria: GeneDx Variant Classification (06012015). Collection method: clinical testing. Allele origin: germline. Affected: yes.
Comment: This variant is considered likely benign or benign based on one or more of the following criteria: it is a conservative change, it occurs at a poorly conserved position in the protein, it is predicted to be benign by multiple in silico algorithms, and/or has population frequency not consistent with disease.

Eurofins Ntd Llc (ga)
Classification: Benign. Last evaluated: 2013-09-26. Review status: criteria provided, single submitter. Criteria: EGL Classification Definitions 2015. Collection method: clinical testing. Allele origin: germline. Observed: 4 variant alleles, 4 heterozygotes.

Breakthrough Genomics
Classification: Benign. Review status: criteria provided, single submitter. Criteria: ACMG Guidelines, 2015. Collection method: not provided. Allele origin: germline. Inheritance: Autosomal recessive inheritance. Affected: yes.

PreventionGenetics, part of Exact Sciences
Classification: Benign. Review status: criteria provided, single submitter. Criteria: ACMG Guidelines, 2015. Collection method: clinical testing. Allele origin: germline.

Genome Diagnostics Laboratory, Amsterdam University Medical Center
Classification: Benign. Review status: no assertion criteria provided. Collection method: clinical testing. Allele origin: germline. Affected: yes. Study: VKGL Data-share Consensus. Not counted in ClinVar's aggregate classification.

Joint Genome Diagnostic Labs from Nijmegen and Maastricht, Radboudumc and MUMC+
Classification: Benign. Review status: no assertion criteria provided. Collection method: clinical testing. Allele origin: germline. Affected: yes. Study: VKGL Data-share Consensus. Not counted in ClinVar's aggregate classification.